The following is an entry in ClinVar:

ClinVar aggregate classification (germline): Uncertain significance (1 of 4 stars; one submission).

Conditions:
Muscle AMP deaminase deficiency (MMDD). Also called: AMPD1 DEFICIENCY; Myoadenylate deaminase deficiency, myopathy due to; Adenosine monophosphate deaminase 1 deficiency; AMP deaminase 1 deficiency; Adenosine Monophosphate Deaminase 1; ADENOSINE MONOPHOSPHATE DEAMINASE-1 DEFICIENCY, MYOPATHY DUE TO. Identifiers: Orphanet 45, MedGen C3714933, MONDO:0014220, OMIM 615511.

Submission:

Labcorp Genetics (formerly Invitae), Labcorp
Classification: Uncertain significance for Muscle AMP deaminase deficiency. Last evaluated: 2022-06-20. Review status: criteria provided, single submitter. Criteria: Invitae Variant Classification Sherloc (09022015). Collection method: clinical testing. Allele origin: germline.
Comment: In summary, the available evidence is currently insufficient to determine the role of this variant in disease. Therefore, it has been classified as a Variant of Uncertain Significance. Algorithms developed to predict the effect of missense changes on protein structure and function are either unavailable or do not agree on the potential impact of this missense change (SIFT: "Tolerated"; PolyPhen-2: "Possibly Damaging"; Align-GVGD: "Class C0"). This variant has not been reported in the literature in individuals affected with AMPD1-related conditions. This variant is not present in population databases (gnomAD no frequency). This sequence change replaces arginine, which is basic and polar, with serine, which is neutral and polar, at codon 480 of the AMPD1 protein (p.Arg480Ser).

NM_000036.3(AMPD1):c.1339C>A (p.Arg447Ser)

Gene: AMPD1 (adenosine monophosphate deaminase 1; minus strand). Cytogenetic location: 1p13.2.
Variant type: single nucleotide variant.
Coding change: c.1339C>A on transcript NM_000036.3 (MANE Select); coding-DNA position 1339, C replaced by A.
Protein change: p.Arg447Ser; replaces arginine 447 with serine.
Molecular consequence: missense variant.
Genome position (GRCh38, 1-based): chr1:114,677,400, G>T on the plus strand (C>A on the coding strand, the complement: AMPD1 is on the minus strand). VCF-style: chr1-114677400-G-T. GRCh37 (hg19) VCF-style: chr1-115220021-G-T.
Other names: c.1327C>A, p.Arg443Ser (NM_001172626.2); short protein forms R443S, R447S.
Identifiers: ClinVar variation 1995180 (VCV001995180.4), dbSNP rs1344319121, ClinGen allele CA341748444.